The following is an entry in ClinVar:

ClinVar aggregate classification (germline): Uncertain significance (1 of 4 stars; one submission).

Conditions:
Hereditary cancer-predisposing syndrome. Also called: Neoplastic Syndromes, Hereditary; Tumor predisposition; Hereditary Cancer Syndrome; Hereditary neoplastic syndrome. Identifiers: Orphanet 140162, MedGen C0027672, MeSH D009386, MONDO:0015356.

Submission:

Ambry Genetics
Classification: Uncertain significance for Hereditary cancer-predisposing syndrome. Last evaluated: 2019-05-02. Review status: criteria provided, single submitter. Criteria: Ambry Variant Classification Scheme 2023. Collection method: clinical testing. Allele origin: germline.
Comment: The c.1819_1821delGTAinsTTG variant, located in coding exon 11 of the PMS2 gene, results from an in-frame deletion of GTA and insertion of TTG at nucleotide positions 1819 to 1821. This results in the substitution of the valine residue for a leucine residue at codon 607, an amino acid with highly similar properties. This amino acid position is not well conserved in available vertebrate species. Since supporting evidence is limited at this time, the clinical significance of this alteration remains unclear.

NM_000535.7(PMS2):c.1819_1821delinsTTG (p.Val607Leu)

Gene: PMS2 (PMS1 homolog 2, mismatch repair system component; minus strand). Cytogenetic location: 7p22.1.
Variant type: Indel.
Coding change: c.1819_1821delinsTTG on transcript NM_000535.7 (MANE Select); coding-DNA positions 1819 to 1821, GTA replaced by TTG.
Protein change: p.Val607Leu; replaces valine 607 with leucine.
Molecular consequence: missense variant. On other transcripts: non-coding transcript variant (1).
Genome position (GRCh38, 1-based): chr7:5,986,944-5,986,946, TAC replaced by CAA on the plus strand (GTA replaced by TTG on the coding strand, the reverse complement: PMS2 is on the minus strand). VCF-style: chr7-5986944-TAC-CAA. GRCh37 (hg19) VCF-style: chr7-6026575-TAC-CAA.
Other names: c.1414_1416delGTAinsTTG, p.Val472Leu (NM_001018040.1, NM_001406887.1, NM_001406888.1 and 13 more transcripts); c.1414_1416delinsTTG, p.Val472Leu (NM_001322003.2, NM_001322004.2, NM_001322005.2 and 1 more transcripts); c.1663_1665delinsTTG, p.Val555Leu (NM_001322006.2); c.1501_1503delinsTTG, p.Val501Leu (NM_001322007.2, NM_001322008.2); c.1258_1260delinsTTG, p.Val420Leu (NM_001322010.2); c.886_888delinsTTG, p.Val296Leu (NM_001322011.2, NM_001322012.2); c.1246_1248delinsTTG, p.Val416Leu (NM_001322013.2); c.1819_1821delinsTTG, p.Val607Leu (NM_001322014.2); and 19 more; short protein forms V296L, V416L, V436L, V449L, V485L, V571L, V472L, V501L.
Identifiers: ClinVar variation 1780712 (VCV001780712.2), dbSNP rs2535728070, ClinGen allele CA2580076882.